The following is an entry in ClinVar:

ClinVar aggregate classification (germline): Uncertain significance (1 of 4 stars; one submission).

Conditions:
CFAP418-related disorder. Also called: CFAP418-related condition.

gnomAD v4.1: 5 of 1,613,946 alleles (0.00031%); highest among the groups gnomAD compares: African/African-American, 0.004%; no homozygotes.

Submission:

PreventionGenetics, part of Exact Sciences
Classification: Uncertain significance for CFAP418-related condition. Last evaluated: 2026-08-28. Review status: criteria provided, single submitter. Criteria: ACMG Guidelines, 2015. Collection method: clinical testing. Allele origin: germline.
Comment: The CFAP418 c.141G>A variant is not predicted to result in an amino acid change (p.=). This variant is predicted to alter splicing based on available splicing prediction programs (SpliceAI, Jaganathan et al. 2019. PubMed ID: 30661751). However, the use of computer prediction programs is not equivalent to functional evidence. To our knowledge, this variant has not been reported in the literature. This variant is reported in 0.0062% of alleles in individuals of African descent in gnomAD. At this time, the clinical significance of this variant is uncertain due to the absence of conclusive functional and genetic evidence.

NM_177965.4(CFAP418):c.141G>A (p.Ala47=)

Genes: CFAP418 (cilia and flagella associated protein 418; minus strand), CFAP418-AS1 (CFAP418 antisense RNA 1; plus strand), LOC130000784 (ATAC-STARR-seq lymphoblastoid active region 27655; plus strand). Cytogenetic location: 8q22.1.
Variant type: single nucleotide variant.
Coding change: c.141G>A on transcript NM_177965.4 (MANE Select); coding-DNA position 141, G replaced by A.
Protein change: p.Ala47=; no amino-acid change (alanine 47 retained).
Molecular consequence: synonymous variant.
Genome position (GRCh38, 1-based): chr8:95,269,049, C>T on the plus strand (G>A on the coding strand, the complement: CFAP418 is on the minus strand). VCF-style: chr8-95269049-C-T. GRCh37 (hg19) VCF-style: chr8-96281277-C-T.
Other names: c.141G>A, p.Ala47= (NM_001363260.1).
Identifiers: ClinVar variation 4989591 (VCV004989591.1).